The following is an entry in ClinVar:

NM_001123385.2(BCOR):c.4172A>G (p.Lys1391Arg)

Gene: BCOR (BCL6 corepressor; minus strand). Cytogenetic location: Xp11.4.
Variant type: single nucleotide variant.
Coding change: c.4172A>G on transcript NM_001123385.2 (MANE Select); coding-DNA position 4172, A replaced by G.
Protein change: p.Lys1391Arg; replaces lysine 1391 with arginine.
Molecular consequence: missense variant.
Genome position (GRCh38, 1-based): chrX:40,062,747, T>C on the plus strand (A>G on the coding strand, the complement: BCOR is on the minus strand). VCF-style: chrX-40062747-T-C. GRCh37 (hg19) VCF-style: chrX-39922000-T-C.
Other names: c.4070A>G, p.Lys1357Arg (NM_001123383.2, NM_001438208.1, NM_017745.6); c.4016A>G, p.Lys1339Arg (NM_001123384.2); c.4172A>G, p.Lys1391Arg (NM_001437510.1, NM_001437511.1); c.4118A>G, p.Lys1373Arg (NM_001438207.1); short protein forms K1339R, K1357R, K1373R, K1391R.
Identifiers: ClinVar variation 5019254 (VCV005019254.2).

ClinVar aggregate classification (germline): Uncertain significance (1 of 4 stars; one submission).

Conditions:
Oculofaciocardiodental syndrome (MCOPS2). Identifiers: Orphanet 2712, MedGen C1846265, MONDO:0010261, OMIM 300166.

Submission:

Juno Genomics, Hangzhou Juno Genomics, Inc
Classification: Uncertain significance for Oculofaciocardiodental syndrome. Review status: criteria provided, single submitter. Criteria: ACMG Guidelines, 2015. Collection method: clinical testing. Allele origin: germline.
Comment: Absent from controls (or at extremely low frequency if recessive) in Genome Aggregation Database.;Multiple lines of computational evidence support a deleterious effect on the gene or gene product.